The following is an entry in ClinVar:

NM_004329.3(BMPR1A):c.1474-9_1474-5del

Gene: BMPR1A (bone morphogenetic protein receptor type 1A; plus strand). Cytogenetic location: 10q23.2.
Variant type: Deletion.
Coding change: c.1474-9_1474-5del on transcript NM_004329.3 (MANE Select); 9 bases into the intron before coding-DNA position 1474 through 5 bases into the intron before coding-DNA position 1474, 5 bases deleted (ACTTT; older notation c.1474-9_1474-5delACTTT).
Molecular consequence: intron variant.
Genome position (GRCh38, 1-based): chr10:86,923,585-86,923,589, ACTTT deleted; deleting any 5 consecutive bases within chr10:86,923,581-86,923,589 gives the same sequence; the c. name uses the placement nearest the transcript's 3' end. VCF-style (leftmost placement, unchanged base first): chr10-86923580-TCTTTA-T. GRCh37 (hg19) VCF-style: chr10-88683337-TCTTTA-T.
Identifiers: ClinVar variation 1493031 (VCV001493031.8), dbSNP rs2133623605, ClinGen allele CA2573145703.

ClinVar aggregate classification (germline): Uncertain significance (1 of 4 stars; one submission).

Conditions:
Juvenile polyposis syndrome (JPS). Identifiers: Orphanet 2929, MedGen C0345893, MONDO:0017380, OMIM 174900.

Submission:

Labcorp Genetics (formerly Invitae), Labcorp
Classification: Uncertain significance for Juvenile polyposis syndrome. Last evaluated: 2024-07-08. Review status: criteria provided, single submitter. Criteria: Invitae Variant Classification Sherloc (09022015). Collection method: clinical testing. Allele origin: germline.
Comment: This sequence change falls in intron 12 of the BMPR1A gene. It does not directly change the encoded amino acid sequence of the BMPR1A protein. This variant is not present in population databases (gnomAD no frequency). This variant has not been reported in the literature in individuals affected with BMPR1A-related conditions. ClinVar contains an entry for this variant (Variation ID: 1493031). Algorithms developed to predict the effect of sequence changes on RNA splicing suggest that this variant may disrupt the consensus splice site. In summary, the available evidence is currently insufficient to determine the role of this variant in disease. Therefore, it has been classified as a Variant of Uncertain Significance.